The following is an entry in ClinVar:

ClinVar aggregate classification (germline): Benign/Likely benign. Review status: criteria provided, multiple submitters, no conflicts (2 of 4 stars). 4 submissions from 4 submitters: Benign (2); Likely benign (2). Last evaluated 2025-09-05.

Conditions:
Hypogonadotropic hypogonadism 1 with or without anosmia (HH1). Also called: HYPOGONADOTROPIC HYPOGONADISM 1 WITH ANOSMIA; DYSPLASIA OLFACTOGENITALIS OF DE MORSIER; KAL1-Related GnRH Deficiency (Kallmann Syndrome 1; Kallmann Syndrome, X-Linked); Kallmann syndrome, type 1, X-linked; Hypogonadotropic hypogonadism 1 with or without anosmia (Kallmann syndrome 1); HYPOGONADOTROPIC HYPOGONADISM AND ANOSMIA. Identifiers: Orphanet 478, MedGen C1563719, MONDO:0010635, OMIM 308700. Disease mechanism: loss of function.

Allele frequency attached by ClinVar (database versions not stated): gnomAD exomes 0.00048 and 0.00123; ExAC 0.00171; 1000 Genomes Project 0.00424; ESP Exome Variant Server 0.00436; 1000 Genomes Project 30x 0.00458; gnomAD 0.00483 and 0.00507; TOPMed 0.00541.
gnomAD v4.1: 1,093 of 1,189,746 alleles (0.092%); highest among the groups gnomAD compares: African/African-American, 1.6%; 2 homozygotes.

Submissions (4):

Labcorp Genetics (formerly Invitae), Labcorp
Classification: Benign for Hypogonadotropic hypogonadism 1 with or without anosmia. Last evaluated: 2025-09-05. Review status: criteria provided, single submitter. Criteria: Invitae Variant Classification Sherloc (09022015). Collection method: clinical testing. Allele origin: germline.

Blueprint Genetics
Classification: Likely benign. Last evaluated: 2024-07-06. Review status: criteria provided, single submitter. Criteria: ACMG Guidelines, 2015. Collection method: clinical testing. Allele origin: germline.

Fulgent Genetics
Classification: Likely benign for Hypogonadotropic hypogonadism 1 with or without anosmia. Last evaluated: 2022-05-04. Review status: criteria provided, single submitter. Criteria: ACMG Guidelines, 2015. Collection method: clinical testing. Allele origin: unknown.

GeneDx
Classification: Benign. Last evaluated: 2017-04-27. Review status: criteria provided, single submitter. Criteria: GeneDx Variant Classification (06012015). Collection method: clinical testing. Allele origin: germline. Affected: yes.
Comment: This variant is considered likely benign or benign based on one or more of the following criteria: it is a conservative change, it occurs at a poorly conserved position in the protein, it is predicted to be benign by multiple in silico algorithms, and/or has population frequency not consistent with disease.

NM_000216.4(ANOS1):c.255+4C>T

Gene: ANOS1 (anosmin 1; minus strand). Cytogenetic location: Xp22.31.
Variant type: single nucleotide variant.
Coding change: c.255+4C>T on transcript NM_000216.4 (MANE Select); 4 bases into the intron after coding-DNA position 255, C replaced by T.
Molecular consequence: intron variant.
Genome position (GRCh38, 1-based): chrX:8,699,694, G>A on the plus strand (C>T on the coding strand, the complement: ANOS1 is on the minus strand). VCF-style: chrX-8699694-G-A. GRCh37 (hg19) VCF-style: chrX-8667735-G-A.
Identifiers: ClinVar variation 506487 (VCV000506487.13), dbSNP rs141696314, ClinGen allele CA10343844.
Genomic context (GRCh38, chrX:8,699,694, plus strand): 5'-GAATCTATAATTATTCCAAAATTAAAAGTTTTTTGCACCATTCATACAGGTATAGGAAAC[G>A]TACCTTAGAACATTGCTTGTGATTCTGGCACCAAACCAGGGAACCATTGTTCTGCAAAAA-3'